The following is an entry in ClinVar:

NM_004211.5(SLC6A5):c.1555G>A (p.Val519Ile)

Gene: SLC6A5 (solute carrier family 6 member 5; plus strand). Cytogenetic location: 11p15.1.
Variant type: single nucleotide variant.
Coding change: c.1555G>A on transcript NM_004211.5 (MANE Select); coding-DNA position 1555, G replaced by A.
Protein change: p.Val519Ile; replaces valine 519 with isoleucine.
Molecular consequence: missense variant.
Genome position (GRCh38, 1-based): chr11:20,630,746, G>A. VCF-style: chr11-20630746-G-A. GRCh37 (hg19) VCF-style: chr11-20652292-G-A.
Other names: c.853G>A, p.Val285Ile (NM_001318369.2); short protein forms V285I, V519I.
Identifiers: ClinVar variation 1448919 (VCV001448919.5), dbSNP rs570442943, ClinGen allele CA5921500.
Genomic context (GRCh38, chr11:20,630,746, plus strand): 5'-TCCAGGGACACTCTAATTGTCACCTGCACCAACAGTGCCACAAGCATCTTTGCCGGCTTC[G>A]TCATCTTCTCCGTTATCGGCTTCATGGCCAATGAACGCAAAGTCAACATTGAGAATGTGG-3'
Protein context (NP_004202.4, residues 509-529): NSATSIFAGF[Val519Ile]IFSVIGFMAN

ClinVar aggregate classification (germline): Uncertain significance (1 of 4 stars; one submission).

Conditions:
Hyperekplexia 3 (HKPX3). Also called: HYPEREKPLEXIA 3, AUTOSOMAL RECESSIVE; HYPEREKPLEXIA 3, AUTOSOMAL DOMINANT. Identifiers: Orphanet 3197, MedGen C3553288, MONDO:0013827, OMIM 614618.

Allele frequency attached by ClinVar (database versions not stated): gnomAD exomes 0.00001 and 0.00002; ExAC 0.00002; TOPMed 0.00003; gnomAD 0.00004 and 0.00005; 1000 Genomes Project 30x 0.00016; 1000 Genomes Project 0.00020.
gnomAD v4.1: 21 of 1,614,146 alleles (0.0013%); highest among the groups gnomAD compares: Middle Eastern, 0.016%; no homozygotes.

Submission:

Labcorp Genetics (formerly Invitae), Labcorp
Classification: Uncertain significance for Hyperekplexia 3. Last evaluated: 2024-10-24. Review status: criteria provided, single submitter. Criteria: Invitae Variant Classification Sherloc (09022015). Collection method: clinical testing. Allele origin: germline.
Comment: This sequence change replaces valine, which is neutral and non-polar, with isoleucine, which is neutral and non-polar, at codon 519 of the SLC6A5 protein (p.Val519Ile). This variant is present in population databases (rs570442943, gnomAD 0.008%). This variant has not been reported in the literature in individuals affected with SLC6A5-related conditions. ClinVar contains an entry for this variant (Variation ID: 1448919). Invitae Evidence Modeling of protein sequence and biophysical properties (such as structural, functional, and spatial information, amino acid conservation, physicochemical variation, residue mobility, and thermodynamic stability) has been performed for this missense variant. However, the output from this modeling did not meet the statistical confidence thresholds required to predict the impact of this variant on SLC6A5 protein function. In summary, the available evidence is currently insufficient to determine the role of this variant in disease. Therefore, it has been classified as a Variant of Uncertain Significance.